The following is an entry in ClinVar:

ClinVar aggregate classification (germline): Likely benign (0 of 4 stars; one submission).

Conditions:
APBB1-related disorder. Also called: APBB1-related condition.

Allele frequency attached by ClinVar (database versions not stated): gnomAD 0.00016; TOPMed 0.00017; ExAC 0.00030; 1000 Genomes Project 30x 0.00062; 1000 Genomes Project 0.00080.
gnomAD v4.1: 183 of 1,613,508 alleles (0.011%); highest among the groups gnomAD compares: East Asian, 0.31%; 1 homozygote.

Submission:

PreventionGenetics, part of Exact Sciences
Classification: Likely benign for APBB1-related condition. Last evaluated: 2022-03-31. Review status: no assertion criteria provided. Collection method: clinical testing. Allele origin: germline.
Comment: This variant is classified as likely benign based on ACMG/AMP sequence variant interpretation guidelines (Richards et al. 2015 PMID: 25741868, with internal and published modifications).

NM_001164.5(APBB1):c.1234A>G (p.Met412Val)

Gene: APBB1 (amyloid beta precursor protein binding family B member 1; minus strand). Cytogenetic location: 11p15.4.
Variant type: single nucleotide variant.
Coding change: c.1234A>G on transcript NM_001164.5 (MANE Select); coding-DNA position 1234, A replaced by G.
Protein change: p.Met412Val; replaces methionine 412 with valine.
Molecular consequence: missense variant. On other transcripts: non-coding transcript variant (1).
Genome position (GRCh38, 1-based): chr11:6,402,596, T>C on the plus strand (A>G on the coding strand, the complement: APBB1 is on the minus strand). VCF-style: chr11-6402596-T-C. GRCh37 (hg19) VCF-style: chr11-6423826-T-C.
Other names: c.574A>G, p.Met192Val (NM_001257319.3, NM_001257323.3); c.457A>G, p.Met153Val (NM_001257320.2, NM_001257321.2, NM_001257326.2); c.529A>G, p.Met177Val (NM_001257325.3); c.1234A>G, p.Met412Val (NM_145689.3); short protein forms M153V, M177V, M192V, M412V.
Identifiers: ClinVar variation 3045487 (VCV003045487.2), dbSNP rs201889999, ClinGen allele CA5853398.
Genomic context (GRCh38, chr11:6,402,596, plus strand): 5'-TCTCACAGTACCACCCCCTACCCCCGGCTCAGGTCCTTACTTCCCCCCAGCCCCCAGACA[T>C]GGGGTCATGCAGGTTGTTTTTGTGGTAAGAGAGCTGACGGATGCAATTGTTGACTGCCAC-3'
Protein context (NP_001155.1, residues 402-422): SYHKNNLHDP[Met412Val]SGGWGEGKDL